The following is an entry in ClinVar:

NM_000059.4(BRCA2):c.9652T>G (p.Ser3218Ala)

Gene: BRCA2 (BRCA2 DNA repair associated; plus strand). Cytogenetic location: 13q13.1.
Variant type: single nucleotide variant.
Coding change: c.9652T>G on transcript NM_000059.4 (MANE Select); coding-DNA position 9652, T replaced by G.
Protein change: p.Ser3218Ala; replaces serine 3218 with alanine.
Molecular consequence: missense variant. On other transcripts: non-coding transcript variant (1).
Genome position (GRCh38, 1-based): chr13:32,398,165, T>G. VCF-style: chr13-32398165-T-G. GRCh37 (hg19) VCF-style: chr13-32972302-T-G.
Other names: c.9556T>G, p.Ser3186Ala (NM_001406719.1); c.9601T>G, p.Ser3201Ala (NM_001406720.1); c.4720T>G, p.Ser1574Ala (NM_001406721.1); c.3235T>G, p.Ser1079Ala (NM_001406722.1); c.9652T>G, p.Ser3218Ala (NM_001432077.1); short protein forms S1079A, S1574A, S3186A, S3201A, S3218A.
Identifiers: ClinVar variation 4539221 (VCV004539221.1).

ClinVar aggregate classification (germline): Likely benign (1 of 4 stars; one submission).

Submission:

Center for Genomic Medicine, Rigshospitalet, Copenhagen University Hospital
Classification: Likely benign. Last evaluated: 2025-12-29. Review status: criteria provided, single submitter. Criteria: ACMG Guidelines, 2015. Collection method: clinical testing. Allele origin: germline.
Comment: Classification criteria: BP1_Strong